The following is an entry in ClinVar:

ClinVar aggregate classification (germline): Conflicting classifications of pathogenicity. Review status: criteria provided, conflicting classifications (1 of 4 stars). 6 submissions from 6 submitters: Likely risk allele (1); Benign (2); Likely benign (3). Last evaluated 2026-01-08.

Conditions:
Systemic lupus erythematosus (SLE). Identifiers: Orphanet 536, MedGen C0024141, MONDO:0007915, OMIM 152700, HP:0002725.
Maturity-onset diabetes of the young type 11. Identifiers: Orphanet 552, MedGen C3150618, MONDO:0013242, OMIM 613375.

Allele frequency attached by ClinVar (database versions not stated): ExAC 0.00081; ESP Exome Variant Server 0.00215; TOPMed 0.00277; gnomAD 0.00278 and 0.00302; 1000 Genomes Project 30x 0.00281; 1000 Genomes Project 0.00319.
gnomAD v4.1: 893 of 1,614,014 alleles (0.055%); highest among the groups gnomAD compares: African/African-American, 0.9%; 1 homozygote.

Submissions (6):

Labcorp Genetics (formerly Invitae), Labcorp
Classification: Benign. Last evaluated: 2026-01-08. Review status: criteria provided, single submitter. Criteria: Invitae Variant Classification Sherloc (09022015). Collection method: clinical testing. Allele origin: germline.

Blueprint Genetics
Classification: Likely benign. Last evaluated: 2024-10-31. Review status: criteria provided, single submitter. Criteria: ACMG Guidelines, 2015. Collection method: clinical testing. Allele origin: germline.

GeneDx
Classification: Likely benign. Last evaluated: 2021-05-04. Review status: criteria provided, single submitter. Criteria: GeneDx Variant Classification Process June 2021. Collection method: clinical testing. Allele origin: germline. Affected: yes.

Illumina Laboratory Services, Illumina
Classification: Benign for Maturity-onset diabetes of the young type 11. Last evaluated: 2018-01-13. Review status: criteria provided, single submitter. Criteria: ICSL Variant Classification Criteria 13 December 2019. Collection method: clinical testing. Allele origin: germline.
Comment: This variant was observed in the ICSL laboratory as part of a predisposition screen in an ostensibly healthy population. It had not been previously curated by ICSL or reported in the Human Gene Mutation Database (HGMD: prior to June 1st, 2018), and was therefore a candidate for classification through an automated scoring system. Utilizing variant allele frequency, disease prevalence and penetrance estimates, and inheritance mode, an automated score was calculated to assess if this variant is too frequent to cause the disease. Based on the score and internal cut-off values, a variant classified as benign is not then subjected to further curation. The score for this variant resulted in a classification of benign for this disease.

Breakthrough Genomics
Classification: Likely benign. Review status: criteria provided, single submitter. Criteria: ACMG Guidelines, 2015. Collection method: not provided. Allele origin: germline. Inheritance: Autosomal dominant inheritance. Affected: yes.

Clinical Genomics, Uppaluri K&H Personalized Medicine Clinic
Classification: Likely risk allele for Systemic lupus erythematosus. Review status: criteria provided, single submitter. Criteria: K & H Uppaluri Personalized Medicine Clinic Variant Classification & Assertion Criteria_Updated V.1. Collection method: research. Allele origin: unknown.
Comment: BLK gene is associated with Systemic lupus erythematosus, sjogren's syndrome and other systemic inflammatory conditions. However no sufficient evidence is found to ascertain the role of this particular variant rs138972988, yet.

Literature cited by the submitters: PubMed 32313195 (cited by Clinical Genomics, Uppaluri K&H Personalized Medicine Clinic); PubMed 19667185 (cited by Clinical Genomics, Uppaluri K&H Personalized Medicine Clinic); PubMed 18204098 (cited by Clinical Genomics, Uppaluri K&H Personalized Medicine Clinic); PubMed 24023612 (cited by Clinical Genomics, Uppaluri K&H Personalized Medicine Clinic); PubMed 31670388 (cited by Clinical Genomics, Uppaluri K&H Personalized Medicine Clinic).

NM_001715.3(BLK):c.187G>A (p.Val63Met)

Gene: BLK (BLK proto-oncogene, Src family tyrosine kinase). Cytogenetic location: 8p23.1.
Variant type: single nucleotide variant.
Coding change: c.187G>A on transcript NM_001715.3 (MANE Select); coding-DNA position 187, G replaced by A.
Protein change: p.Val63Met; replaces valine 63 with methionine.
Molecular consequence: missense variant. On other transcripts: 5 prime UTR variant (1).
Genome position (GRCh38, 1-based): chr8:11,548,043, G>A. VCF-style: chr8-11548043-G-A. GRCh37 (hg19) VCF-style: chr8-11405552-G-A.
Other names: c.-27G>A (NM_001330465.2); short protein forms V63M.
Identifiers: ClinVar variation 361476 (VCV000361476.18), dbSNP rs138972988, ClinGen allele CA4629750.